The following is an entry in ClinVar:

ClinVar aggregate classification (germline): Uncertain significance. Review status: criteria provided, multiple submitters, no conflicts (2 of 4 stars). 2 submissions from 2 submitters: Uncertain significance (2). Last evaluated 2025-05-17.

Conditions:
Cardiovascular phenotype. Identifiers: MedGen CN230736.
Legius syndrome. Identifiers: Orphanet 137605, MedGen C1969623, MONDO:0012669, OMIM 611431. Disease mechanism: loss of function.

Submissions (2):

Ambry Genetics
Classification: Uncertain significance for Cardiovascular phenotype. Last evaluated: 2025-05-17. Review status: criteria provided, single submitter. Criteria: Ambry Variant Classification Scheme 2023. Collection method: clinical testing. Allele origin: germline.
Comment: The p.G54V variant (also known as c.161G>T), located in coding exon 2 of the SPRED1 gene, results from a G to T substitution at nucleotide position 161. The glycine at codon 54 is replaced by valine, an amino acid with dissimilar properties. This amino acid position is conserved. In addition, the in silico prediction for this alteration is inconclusive. Based on the available evidence, the clinical significance of this variant remains unclear.

Labcorp Genetics (formerly Invitae), Labcorp
Classification: Uncertain significance for Legius syndrome. Last evaluated: 2019-09-28. Review status: criteria provided, single submitter. Criteria: Invitae Variant Classification Sherloc (09022015). Collection method: clinical testing. Allele origin: germline.
Comment: In summary, the available evidence is currently insufficient to determine the role of this variant in disease. Therefore, it has been classified as a Variant of Uncertain Significance. Algorithms developed to predict the effect of missense changes on protein structure and function are either unavailable or do not agree on the potential impact of this missense change (SIFT: "Deleterious"; PolyPhen-2: "Probably Damaging"; Align-GVGD: "Class C0"). This variant has not been reported in the literature in individuals with SPRED1-related conditions. This variant is not present in population databases (ExAC no frequency). This sequence change replaces glycine with valine at codon 54 of the SPRED1 protein (p.Gly54Val). The glycine residue is moderately conserved and there is a moderate physicochemical difference between glycine and valine.

NM_152594.3(SPRED1):c.161G>T (p.Gly54Val)

Gene: SPRED1 (sprouty related EVH1 domain containing 1; plus strand). Cytogenetic location: 15q14.
Variant type: single nucleotide variant.
Coding change: c.161G>T on transcript NM_152594.3 (MANE Select); coding-DNA position 161, G replaced by T.
Protein change: p.Gly54Val; replaces glycine 54 with valine.
Molecular consequence: missense variant.
Genome position (GRCh38, 1-based): chr15:38,299,501, G>T. VCF-style: chr15-38299501-G-T. GRCh37 (hg19) VCF-style: chr15-38591702-G-T.
Other names: short protein forms G54V.
Identifiers: ClinVar variation 942930 (VCV000942930.11), dbSNP rs1895110134, ClinGen allele CA391934383.
Genomic context (GRCh38, chr15:38,299,501, plus strand): 5'-TTGGAGGGAGTGGACTAAGCAGCGTCACTGTCTTCAAAGTCCCTCATCAGGAAGAGAATG[G>T]CTGTGCTGACTTTTTTATCCGTGGAGAGCGACTCAGGGACAAAATGGTAATGAATAATGT-3'
Protein context (NP_689807.1, residues 44-64): VFKVPHQEEN[Gly54Val]CADFFIRGER